The following is an entry in ClinVar:

NM_181426.2(CCDC39):c.2735C>T (p.Pro912Leu)

Genes: CCDC39 (coiled-coil domain 39 molecular ruler complex subunit; minus strand), TTC14 (tetratricopeptide repeat domain 14; plus strand). Cytogenetic location: 3q26.33.
Variant type: single nucleotide variant.
Coding change: c.2735C>T on transcript NM_181426.2 (MANE Select); coding-DNA position 2735, C replaced by T.
Protein change: p.Pro912Leu; replaces proline 912 with leucine.
Molecular consequence: missense variant. On other transcripts: intron variant (1).
Genome position (GRCh38, 1-based): chr3:180,615,012, G>A on the plus strand (C>T on the coding strand, the complement: CCDC39 is on the minus strand). VCF-style: chr3-180615012-G-A. GRCh37 (hg19) VCF-style: chr3-180332800-G-A.
Other names: c.1775-2368G>A (NM_001288582.2); short protein forms P912L.
Identifiers: ClinVar variation 1025604 (VCV001025604.9), dbSNP rs760435440, ClinGen allele CA2715597.

ClinVar aggregate classification (germline): Uncertain significance. Review status: criteria provided, multiple submitters, no conflicts (2 of 4 stars). 2 submissions from 2 submitters: Uncertain significance (2). Last evaluated 2024-06-28.

Conditions:
Primary ciliary dyskinesia. Also called: Ciliary dyskinesia. Identifiers: Orphanet 244, MedGen C0008780, MONDO:0016575, HP:0012265.

Allele frequency attached by ClinVar (database versions not stated): TOPMed 0.00002; gnomAD exomes 0.00007; gnomAD 0.00003; ExAC below 0.00001.
gnomAD v4.1: 96 of 1,559,636 alleles (0.0062%); highest among the groups gnomAD compares: Non-Finnish European, 0.0081%; no homozygotes.

Submissions (2):

Ambry Genetics
Classification: Uncertain significance for Primary ciliary dyskinesia. Last evaluated: 2024-06-28. Review status: criteria provided, single submitter. Criteria: Ambry Variant Classification Scheme 2023. Collection method: clinical testing. Allele origin: germline.
Comment: The p.P912L variant (also known as c.2735C>T), located in coding exon 20 of the CCDC39 gene, results from a C to T substitution at nucleotide position 2735. The proline at codon 912 is replaced by leucine, an amino acid with similar properties. This amino acid position is conserved. In addition, this alteration is predicted to be tolerated by in silico analysis. Based on the available evidence, the clinical significance of this variant remains unclear.

Labcorp Genetics (formerly Invitae), Labcorp
Classification: Uncertain significance for Primary ciliary dyskinesia. Last evaluated: 2022-06-30. Review status: criteria provided, single submitter. Criteria: Invitae Variant Classification Sherloc (09022015). Collection method: clinical testing. Allele origin: germline.
Comment: This sequence change replaces proline, which is neutral and non-polar, with leucine, which is neutral and non-polar, at codon 912 of the CCDC39 protein (p.Pro912Leu). The frequency data for this variant in the population databases is considered unreliable, as metrics indicate poor data quality at this position in the gnomAD database. This variant has not been reported in the literature in individuals affected with CCDC39-related conditions. ClinVar contains an entry for this variant (Variation ID: 1025604). Algorithms developed to predict the effect of missense changes on protein structure and function are either unavailable or do not agree on the potential impact of this missense change (SIFT: "Tolerated"; PolyPhen-2: "Probably Damaging"; Align-GVGD: "Class C0"). In summary, the available evidence is currently insufficient to determine the role of this variant in disease. Therefore, it has been classified as a Variant of Uncertain Significance.